The following is an entry in ClinVar:

ClinVar aggregate classification (germline): Uncertain significance (1 of 4 stars; one submission).

Conditions:
Cowden syndrome 6 (CWS6). Identifiers: Orphanet 201, MedGen C3554519, MONDO:0014048, OMIM 615109.

Submission:

Labcorp Genetics (formerly Invitae), Labcorp
Classification: Uncertain significance for Cowden syndrome 6. Last evaluated: 2021-09-19. Review status: criteria provided, single submitter. Criteria: Invitae Variant Classification Sherloc (09022015). Collection method: clinical testing. Allele origin: germline.
Comment: This variant, c.547_549del, results in the deletion of 1 amino acid(s) of the AKT1 protein (p.Lys183del), but otherwise preserves the integrity of the reading frame. In summary, the available evidence is currently insufficient to determine the role of this variant in disease. Therefore, it has been classified as a Variant of Uncertain Significance. Experimental studies and prediction algorithms are not available or were not evaluated, and the functional significance of this variant is currently unknown. This variant has not been reported in the literature in individuals affected with AKT1-related conditions. This variant is not present in population databases (ExAC no frequency).

NM_001382430.1(AKT1):c.544AAG[1] (p.Lys183del)

Gene: AKT1 (AKT serine/threonine kinase 1; minus strand). Cytogenetic location: 14q32.33.
Variant type: Microsatellite.
Coding change: c.544AAG[1] on transcript NM_001382430.1 (MANE Select); one copy of the 3-base unit AAG starting at c.544; the reference has two copies in a row; one copy, 3 bases deleted.
Protein change: p.Lys183del; deletes lysine 183.
Molecular consequence: inframe deletion.
Genome position (GRCh38, 1-based): chr14:104,775,094-104,775,096, CTT deleted on the plus strand (AAG on the coding strand, the reverse complement: AKT1 is on the minus strand); deleting any 3 consecutive bases within chr14:104,775,094-104,775,099 gives the same sequence; the position shown is the placement nearest the transcript's 3' end. VCF-style (leftmost placement, unchanged base first): chr14-104775093-CCTT-C. GRCh37 (hg19) VCF-style: chr14-105241430-CCTT-C.
Other names: c.544AAG[1], p.Lys183del (NM_001014431.2, NM_001014432.2, NM_001382431.1 and 3 more transcripts); short protein forms K183del.
Identifiers: ClinVar variation 1382187 (VCV001382187.6), dbSNP rs2140916645, ClinGen allele CA2580612791.